The following is an entry in ClinVar:

NM_001378778.1(MPDZ):c.3367C>A (p.Pro1123Thr)

Gene: MPDZ (multiple PDZ domain crumbs cell polarity complex component; minus strand). Cytogenetic location: 9p23.
Variant type: single nucleotide variant.
Coding change: c.3367C>A on transcript NM_001378778.1 (MANE Select); coding-DNA position 3367, C replaced by A.
Protein change: p.Pro1123Thr; replaces proline 1123 with threonine.
Molecular consequence: missense variant. On other transcripts: intron variant (1).
Genome position (GRCh38, 1-based): chr9:13,158,103, G>T on the plus strand (C>A on the coding strand, the complement: MPDZ is on the minus strand). VCF-style: chr9-13158103-G-T. GRCh37 (hg19) VCF-style: chr9-13158102-G-T.
Other names: c.3367C>A, p.Pro1123Thr (NM_001261406.2, NM_001261407.2, NM_001330637.2 and 13 more transcripts); c.3255-7415C>A (NM_001375427.1); short protein forms P1123T.
Identifiers: ClinVar variation 1394169 (VCV001394169.6), dbSNP rs1950042305, ClinGen allele CA372951488.

ClinVar aggregate classification (germline): Uncertain significance (1 of 4 stars; one submission).

Submission:

Labcorp Genetics (formerly Invitae), Labcorp
Classification: Uncertain significance. Last evaluated: 2024-02-24. Review status: criteria provided, single submitter. Criteria: Invitae Variant Classification Sherloc (09022015). Collection method: clinical testing. Allele origin: germline.
Comment: This sequence change replaces proline, which is neutral and non-polar, with threonine, which is neutral and polar, at codon 1123 of the MPDZ protein (p.Pro1123Thr). This variant is not present in population databases (gnomAD no frequency). This variant has not been reported in the literature in individuals affected with MPDZ-related conditions. ClinVar contains an entry for this variant (Variation ID: 1394169). An algorithm developed to predict the effect of missense changes on protein structure and function (PolyPhen-2) suggests that this variant is likely to be disruptive. In summary, the available evidence is currently insufficient to determine the role of this variant in disease. Therefore, it has been classified as a Variant of Uncertain Significance.